The following is an entry in ClinVar:

ClinVar aggregate classification (germline): Uncertain significance (1 of 4 stars; one submission).

Conditions:
Immunodeficiency, common variable, 2 (CVID2). Also called: HYPOGAMMAGLOBULINEMIA DUE TO TACI DEFICIENCY; ANTIBODY DEFICIENCY DUE TO TACI DEFECT. Identifiers: Orphanet 1572, MedGen C3150354, MONDO:0009413, OMIM 240500.

Allele frequency attached by ClinVar (database versions not stated): ExAC 0.00001.

Submission:

Labcorp Genetics (formerly Invitae), Labcorp
Classification: Uncertain significance for Common variable immunodeficiency 2. Last evaluated: 2019-10-19. Review status: criteria provided, single submitter. Criteria: Invitae Variant Classification Sherloc (09022015). Collection method: clinical testing. Allele origin: germline.
Comment: This sequence change falls in intron 3 of the TNFRSF13B gene. It does not directly change the encoded amino acid sequence of the TNFRSF13B protein. This variant is present in population databases (rs769761979, ExAC 0.01%). This variant has not been reported in the literature in individuals with TNFRSF13B-related conditions. Algorithms developed to predict the effect of sequence changes on RNA splicing suggest that this variant may disrupt the consensus splice site, but this prediction has not been confirmed by published transcriptional studies. In summary, the available evidence is currently insufficient to determine the role of this variant in disease. Therefore, it has been classified as a Variant of Uncertain Significance.

NM_012452.3(TNFRSF13B):c.446-5T>C

Gene: TNFRSF13B (TNF receptor superfamily member 13B; minus strand). Cytogenetic location: 17p11.2.
Variant type: single nucleotide variant.
Coding change: c.446-5T>C on transcript NM_012452.3 (MANE Select); 5 bases into the intron before coding-DNA position 446, T replaced by C.
Molecular consequence: intron variant.
Genome position (GRCh38, 1-based): chr17:16,940,516, A>G on the plus strand (T>C on the coding strand, the complement: TNFRSF13B is on the minus strand). VCF-style: chr17-16940516-A-G. GRCh37 (hg19) VCF-style: chr17-16843830-A-G.
Identifiers: ClinVar variation 966316 (VCV000966316.1), dbSNP rs769761979, ClinGen allele CA8413980.